The following is an entry in ClinVar:

NM_001177693.2(ARHGEF28):c.3259C>T (p.Leu1087=)

Gene: ARHGEF28 (Rho guanine nucleotide exchange factor 28; plus strand). Cytogenetic location: 5q13.2.
Variant type: single nucleotide variant.
Coding change: c.3259C>T on transcript NM_001177693.2 (MANE Select); coding-DNA position 3259, C replaced by T.
Protein change: p.Leu1087=; no amino-acid change (leucine 1087 retained).
Molecular consequence: synonymous variant.
Genome position (GRCh38, 1-based): chr5:73,886,053, C>T. VCF-style: chr5-73886053-C-T. GRCh37 (hg19) VCF-style: chr5-73181878-C-T.
Other names: c.3259C>T, p.Leu1087= (NM_001080479.3, NM_001388078.1); c.2320C>T, p.Leu774= (NM_001244364.2); c.2965C>T, p.Leu989= (NM_001388076.1).
Identifiers: ClinVar variation 3770655 (VCV003770655.13).

ClinVar aggregate classification (germline): Likely benign (1 of 4 stars; one submission).

gnomAD v4.1: 867 of 1,613,918 alleles (0.054%); highest among the groups gnomAD compares: Non-Finnish European, 0.068%; 2 homozygotes.

Submission:

CeGaT Center for Human Genetics Tuebingen
Classification: Likely benign. Last evaluated: 2025-01-01. Review status: criteria provided, single submitter. Criteria: CeGaT Center For Human Genetics Tuebingen Variant Classification Criteria Version 2. Collection method: clinical testing. Allele origin: germline. Affected: yes. Observed: 1 variant allele.
Comment: ARHGEF28: BP4